The following is an entry in ClinVar:

NM_006516.4(SLC2A1):c.1215C>T (p.Ala405=)

Gene: SLC2A1 (solute carrier family 2 member 1; minus strand). Cytogenetic location: 1p34.2.
Variant type: single nucleotide variant.
Coding change: c.1215C>T on transcript NM_006516.4 (MANE Select); coding-DNA position 1215, C replaced by T.
Protein change: p.Ala405=; no amino-acid change (alanine 405 retained).
Molecular consequence: synonymous variant.
Genome position (GRCh38, 1-based): chr1:42,927,668, G>A on the plus strand (C>T on the coding strand, the complement: SLC2A1 is on the minus strand). VCF-style: chr1-42927668-G-A. GRCh37 (hg19) VCF-style: chr1-43393339-G-A.
Other names: c.1215C>T (NM_006516.2).
Identifiers: ClinVar variation 806114 (VCV000806114.48), dbSNP rs769506294, ClinGen allele CA803324.

ClinVar aggregate classification (germline): Conflicting classifications of pathogenicity. Review status: criteria provided, conflicting classifications (1 of 4 stars). 3 submissions from 3 submitters: Uncertain significance (1); Likely benign (2). Last evaluated 2026-01-07.

Conditions:
SLC2A1-related disorder. Also called: SLC2A1-related condition; SLC2A1-related disorders.
GLUT1 deficiency syndrome 1, autosomal recessive. Identifiers: MedGen C3149117.

Allele frequency attached by ClinVar (database versions not stated): gnomAD below 0.00001 and 0.00001; TOPMed 0.00001; gnomAD exomes 0.00003 and 0.00006; ExAC 0.00007.
gnomAD v4.1: 52 of 1,614,052 alleles (0.0032%); highest among the groups gnomAD compares: South Asian, 0.049%; no homozygotes.

Submissions (3):

Labcorp Genetics (formerly Invitae), Labcorp
Classification: Likely benign for GLUT1 deficiency syndrome 1, autosomal recessive. Last evaluated: 2026-01-07. Review status: criteria provided, single submitter. Criteria: Invitae Variant Classification Sherloc (09022015). Collection method: clinical testing. Allele origin: germline.

PreventionGenetics, part of Exact Sciences
Classification: Likely benign for SLC2A1-related condition. Last evaluated: 2025-03-25. Review status: criteria provided, single submitter. Criteria: ACMG Guidelines, 2015. Collection method: clinical testing. Allele origin: germline.
Comment: This variant is classified as likely benign based on ACMG/AMP sequence variant interpretation guidelines (Richards et al. 2015 PMID: 25741868, with internal and published modifications).

CeGaT Center for Human Genetics Tuebingen
Classification: Uncertain significance. Last evaluated: 2016-06-01. Review status: criteria provided, single submitter. Criteria: CeGaT Center For Human Genetics Tuebingen Variant Classification Criteria Version 2. Collection method: clinical testing. Allele origin: germline. Affected: yes. Observed: 1 variant allele.